The following is an entry in ClinVar:

NM_000368.5(TSC1):c.3197C>T (p.Thr1066Ile)

Gene: TSC1 (TSC complex subunit 1; minus strand). Cytogenetic location: 9q34.13.
Variant type: single nucleotide variant.
Coding change: c.3197C>T on transcript NM_000368.5 (MANE Select); coding-DNA position 3197, C replaced by T.
Protein change: p.Thr1066Ile; replaces threonine 1066 with isoleucine.
Molecular consequence: missense variant. On other transcripts: non-coding transcript variant (5).
Genome position (GRCh38, 1-based): chr9:132,896,533, G>A on the plus strand (C>T on the coding strand, the complement: TSC1 is on the minus strand). VCF-style: chr9-132896533-G-A. GRCh37 (hg19) VCF-style: chr9-135771920-G-A.
Other names: c.2834C>T, p.Thr945Ile (NM_001362177.2, NM_001406614.1, NM_001406615.1 and 4 more transcripts); c.3197C>T, p.Thr1066Ile (NM_001406592.1, NM_001406593.1, NM_001406594.1 and 2 more transcripts); c.3194C>T, p.Thr1065Ile (NM_001406597.1, NM_001162426.2, NM_001406598.1 and 2 more transcripts); c.3044C>T, p.Thr1015Ile (NM_001162427.2, NM_001406610.1); c.3182C>T, p.Thr1061Ile (NM_001406601.1, NM_001406602.1); c.3179C>T, p.Thr1060Ile (NM_001406603.1, NM_001406604.1); c.3155C>T, p.Thr1052Ile (NM_001406605.1, NM_001406606.1, NM_001406607.1); c.3152C>T, p.Thr1051Ile (NM_001406608.1, NM_001406609.1); and 8 more; short protein forms T1014I, T715I, T748I, T930I, T944I, T1015I, T931I, T1051I.
Identifiers: ClinVar variation 2562885 (VCV002562885.6), dbSNP rs2131602221, ClinGen allele CA375367050.
Genomic context (GRCh38, chr9:132,896,533, plus strand): 5'-CTTTTTGAACTGGGAAGTGAGCCCACAGTGGTGGGGATGCTGGCAGACGCTTCTCCCATA[G>A]TCGTCTCCCACCGACTGCTGAATGGGCCTGCCCTCTGGTGTGGGGGTTTCTCTGGGGTAG-3'
Protein context (NP_000359.1, residues 1056-1076): AGPFSSRWET[Thr1066Ile]MGEASASIPT

ClinVar aggregate classification (germline): Conflicting classifications of pathogenicity. Review status: criteria provided, conflicting classifications (1 of 4 stars). 2 submissions from 2 submitters: Uncertain significance (1); Likely benign (1). Last evaluated 2026-07-30.

Conditions:
Tuberous sclerosis 1 (TSC1). Identifiers: Orphanet 805, MedGen C1854465, MONDO:0008612, OMIM 191100.
Hereditary cancer-predisposing syndrome. Also called: Hereditary Cancer Syndrome; Hereditary neoplastic syndrome; Neoplastic Syndromes, Hereditary; Tumor predisposition. Identifiers: Orphanet 140162, MedGen C0027672, MeSH D009386, MONDO:0015356.

Submissions (2):

Ambry Genetics
Classification: Likely benign for Hereditary cancer-predisposing syndrome. Last evaluated: 2026-07-30. Review status: criteria provided, single submitter. Criteria: Ambry Variant Classification Scheme 2023. Collection method: clinical testing. Allele origin: germline.

Labcorp Genetics (formerly Invitae), Labcorp
Classification: Uncertain significance for Tuberous sclerosis 1. Last evaluated: 2022-12-03. Review status: criteria provided, single submitter. Criteria: Invitae Variant Classification Sherloc (09022015). Collection method: clinical testing. Allele origin: germline.
Comment: In summary, the available evidence is currently insufficient to determine the role of this variant in disease. Therefore, it has been classified as a Variant of Uncertain Significance. Algorithms developed to predict the effect of missense changes on protein structure and function (SIFT, PolyPhen-2, Align-GVGD) all suggest that this variant is likely to be tolerated. This variant has not been reported in the literature in individuals affected with TSC1-related conditions. This variant is not present in population databases (gnomAD no frequency). This sequence change replaces threonine, which is neutral and polar, with isoleucine, which is neutral and non-polar, at codon 1066 of the TSC1 protein (p.Thr1066Ile).